The following is an entry in ClinVar:

NM_015693.4(INTU):c.2464_2465delinsAG (p.Gln822Arg)

Gene: INTU (inturned planar cell polarity protein; plus strand). Cytogenetic location: 4q28.1.
Variant type: Indel.
Coding change: c.2464_2465delinsAG on transcript NM_015693.4 (MANE Select); coding-DNA positions 2464 to 2465, CA replaced by AG.
Protein change: p.Gln822Arg; replaces glutamine 822 with arginine.
Molecular consequence: missense variant.
Genome position (GRCh38, 1-based): chr4:127,711,007-127,711,008, CA replaced by AG. VCF-style: chr4-127711007-CA-AG. GRCh37 (hg19) VCF-style: chr4-128632162-CA-AG.
Other names: short protein forms Q822R.
Identifiers: ClinVar variation 2097125 (VCV002097125.4), dbSNP rs2531039120, ClinGen allele CA2580071499.

ClinVar aggregate classification (germline): Uncertain significance (1 of 4 stars; one submission).

Submission:

Labcorp Genetics (formerly Invitae), Labcorp
Classification: Uncertain significance. Last evaluated: 2022-10-09. Review status: criteria provided, single submitter. Criteria: Invitae Variant Classification Sherloc (09022015). Collection method: clinical testing. Allele origin: germline.
Comment: This sequence change replaces glutamine, which is neutral and polar, with arginine, which is basic and polar, at codon 822 of the INTU protein (p.Gln822Arg). Information on the frequency of this variant in the gnomAD database is not available, as this variant may be reported differently in the database. This variant has not been reported in the literature in individuals affected with INTU-related conditions. Algorithms developed to predict the effect of missense changes on protein structure and function are either unavailable or do not agree on the potential impact of this missense change (SIFT: "Not Available"; PolyPhen-2: "Benign"; Align-GVGD: "Not Available"). In summary, the available evidence is currently insufficient to determine the role of this variant in disease. Therefore, it has been classified as a Variant of Uncertain Significance.